The following is an entry in ClinVar:

ClinVar aggregate classification (germline): Conflicting classifications of pathogenicity. Review status: criteria provided, conflicting classifications (1 of 4 stars). 6 submissions from 6 submitters: Uncertain significance (3); Likely benign (2). 1 of the submissions does not count toward it. Last evaluated 2025-12-08.

Conditions:
PIEZO1-related disorder. Also called: PIEZO1-related condition; PIEZO1-Related Disorders.

Allele frequency attached by ClinVar (database versions not stated): gnomAD exomes 0.00015 and 0.00031; ExAC 0.00058; TOPMed 0.00136; gnomAD 0.00137; 1000 Genomes Project 30x 0.00156; 1000 Genomes Project 0.00200.
gnomAD v4.1: 399 of 1,550,398 alleles (0.026%); highest among the groups gnomAD compares: African/African-American, 0.49%; no homozygotes.

Submissions (6):

Labcorp Genetics (formerly Invitae), Labcorp
Classification: Likely benign. Last evaluated: 2025-12-08. Review status: criteria provided, single submitter. Criteria: Invitae Variant Classification Sherloc (09022015). Collection method: clinical testing. Allele origin: germline.

ARUP Laboratories, Molecular Genetics and Genomics, ARUP Laboratories
Classification: Likely benign. Last evaluated: 2025-03-24. Review status: criteria provided, single submitter. Criteria: ARUP Molecular Germline Variant Investigation Process 2024. Collection method: clinical testing. Allele origin: germline.

Revvity Omics, Revvity
Classification: Uncertain significance. Last evaluated: 2024-05-14. Review status: criteria provided, single submitter. Criteria: ACMG Guidelines, 2015. Collection method: clinical testing. Allele origin: germline.

Mayo Clinic Laboratories, Mayo Clinic
Classification: Uncertain significance. Last evaluated: 2022-11-30. Review status: criteria provided, single submitter. Criteria: ACMG Guidelines, 2015. Collection method: clinical testing. Allele origin: germline. Observed: 9 variant alleles.
Comment: BP4

GeneDx
Classification: Uncertain significance. Last evaluated: 2021-06-27. Review status: criteria provided, single submitter. Criteria: GeneDx Variant Classification Process June 2021. Collection method: clinical testing. Allele origin: germline. Affected: yes.
Comment: Published functional studies demonstrate a gain-of-function leading to prolonged channel activation (Ma et al., 2018); In silico analysis supports that this missense variant has a deleterious effect on protein structure/function; This variant is associated with the following publications: (PMID: 29576450, 27535533)

PreventionGenetics, part of Exact Sciences
Classification: Likely benign for PIEZO1-related condition. Last evaluated: 2019-09-19. Review status: no assertion criteria provided. Collection method: clinical testing. Allele origin: germline. Not counted in ClinVar's aggregate classification.
Comment: This variant is classified as likely benign based on ACMG/AMP sequence variant interpretation guidelines (Richards et al. 2015 PMID: 25741868, with internal and published modifications).

NM_001142864.4(PIEZO1):c.5963C>T (p.Ala1988Val)

Gene: PIEZO1 (piezo type mechanosensitive ion channel component 1 (Er blood group); minus strand). Cytogenetic location: 16q24.3.
Variant type: single nucleotide variant.
Coding change: c.5963C>T on transcript NM_001142864.4 (MANE Select); coding-DNA position 5963, C replaced by T.
Protein change: p.Ala1988Val; replaces alanine 1988 with valine.
Molecular consequence: missense variant.
Genome position (GRCh38, 1-based): chr16:88,720,270, G>A on the plus strand (C>T on the coding strand, the complement: PIEZO1 is on the minus strand). VCF-style: chr16-88720270-G-A. GRCh37 (hg19) VCF-style: chr16-88786678-G-A.
Other names: short protein forms A1988V.
Identifiers: ClinVar variation 761222 (VCV000761222.24), dbSNP rs556192193, ClinGen allele CA8231725.